The following is an entry in ClinVar:

NM_201280.3(BLOC1S5):c.345del (p.Val116fs)

Genes: BLOC1S5 (biogenesis of lysosomal organelles complex 1 subunit 5; minus strand), BLOC1S5-TXNDC5 (BLOC1S5-TXNDC5 readthrough (NMD candidate); minus strand), EEF1E1-BLOC1S5 (EEF1E1-BLOC1S5 readthrough (NMD candidate); minus strand). Cytogenetic location: 6p24.3.
Variant type: Deletion.
Coding change: c.345del on transcript NM_201280.3 (MANE Select); coding-DNA position 345, one base deleted (A; older notation c.345delA).
Protein change: p.Val116fs; shifts the reading frame from valine 116.
Molecular consequence: frameshift variant. On other transcripts: non-coding transcript variant (2).
Genome position (GRCh38, 1-based): chr6:8,026,406, T deleted on the plus strand (A on the coding strand, the reverse complement: BLOC1S5 is on the minus strand). VCF-style (leftmost placement, unchanged base first): chr6-8026405-CT-C. GRCh37 (hg19) VCF-style: chr6-8026638-CT-C.
Other names: Muted; c.153del, p.Val52fs (NM_001199322.1); c.215del, p.Gln72fs (NM_001199323.1); short protein forms Q72fs, V116fs, V52fs.
Identifiers: ClinVar variation 870631 (VCV000870631.3), dbSNP rs1763106978, ClinGen allele CA1139659432.

ClinVar aggregate classification (germline): Pathogenic. Review status: no assertion criteria provided (0 of 4 stars). 2 submissions from 2 submitters: Pathogenic (2). Last evaluated 2021-01-29.

Conditions:
Hermansky-Pudlak syndrome 11 (HPS11). Identifiers: MedGen C5436936, MONDO:0030903, OMIM 619172.
Hermansky-Pudlak syndrome (HPS). Also called: ALBINISM WITH HEMORRHAGIC DIATHESIS AND PIGMENTED RETICULOENDOTHELIAL CELLS. Identifiers: Orphanet 79430, MedGen C0079504, MONDO:0019312.

Submissions (2):

OMIM
Classification: Pathogenic for HERMANSKY-PUDLAK SYNDROME 11. Last evaluated: 2021-01-29. Review status: no assertion criteria provided. Collection method: literature only. Allele origin: germline.

Laboratoire de Génétique Moléculaire, CHU Bordeaux
Classification: Pathogenic for Hermansky-Pudlak syndrome. Last evaluated: 2020-04-09. Review status: no assertion criteria provided. Collection method: clinical testing. Allele origin: germline. Inheritance: Autosomal recessive inheritance. Affected: yes. Observed: 1 homozygote.
Comment: ACMG classification is in favor of a pathogenic variant (PVS1, PS4, PM2). The fovea was normal (Figure 2). Clinical report indicated important epistaxis, mostly in childhood, easy or unexplained bruising, menorrhagia improved by contraception, excessive blood loss after deliveries, surgery and dental extraction, as well as abdominal pain, dyspnea, and recurrent infections (pneumonia, herpes, conjunctivitis). These features suggested a syndromic form of albinism. Functionnal analysis of another LOF variant in BLOC1S5 are in favor of the involvment of BLOC1S5 in a new form of Hermansky-Pudlak Syndrome : HPS11.

Literature cited by the submitters: PubMed 32565547 (cited by OMIM).